The following is an entry in ClinVar:

ClinVar aggregate classification (germline): Uncertain significance. Review status: criteria provided, multiple submitters, no conflicts (2 of 4 stars). 2 submissions from 2 submitters: Uncertain significance (2). Last evaluated 2025-08-17.

Conditions:
Inborn genetic diseases. Identifiers: MedGen C0950123, MeSH D030342.

gnomAD v4.1: 71 of 1,614,168 alleles (0.0044%); highest among the groups gnomAD compares: African/African-American, 0.089%; 1 homozygote.

Submissions (2):

Labcorp Genetics (formerly Invitae), Labcorp
Classification: Uncertain significance. Last evaluated: 2025-08-17. Review status: criteria provided, single submitter. Criteria: Invitae Variant Classification Sherloc (09022015). Collection method: clinical testing. Allele origin: germline.
Comment: This sequence change replaces proline, which is neutral and non-polar, with serine, which is neutral and polar, at codon 715 of the TRPV6 protein (p.Pro715Ser). This variant is present in population databases (rs149332910, gnomAD 0.1%). This variant has not been reported in the literature in individuals affected with TRPV6-related conditions. ClinVar contains an entry for this variant (Variation ID: 3329353). An algorithm developed to predict the effect of missense changes on protein structure and function outputs the following: PolyPhen-2: "Not Available". The serine amino acid residue is found in multiple mammalian species, which suggests that this missense change does not adversely affect protein function. In summary, the available evidence is currently insufficient to determine the role of this variant in disease. Therefore, it has been classified as a Variant of Uncertain Significance.

Ambry Genetics
Classification: Uncertain significance for Inborn genetic diseases. Last evaluated: 2024-05-26. Review status: criteria provided, single submitter. Criteria: Ambry Variant Classification Scheme 2023. Collection method: clinical testing. Allele origin: germline.

NM_018646.6(TRPV6):c.2143C>T (p.Pro715Ser)

Gene: TRPV6 (transient receptor potential cation channel subfamily V member 6; minus strand). Cytogenetic location: 7q34.
Variant type: single nucleotide variant.
Coding change: c.2143C>T on transcript NM_018646.6 (MANE Select); coding-DNA position 2143, C replaced by T.
Protein change: p.Pro715Ser; replaces proline 715 with serine.
Molecular consequence: missense variant.
Genome position (GRCh38, 1-based): chr7:142,871,862, G>A on the plus strand (C>T on the coding strand, the complement: TRPV6 is on the minus strand). VCF-style: chr7-142871862-G-A. GRCh37 (hg19) VCF-style: chr7-142569615-G-A.
Other names: short protein forms P715S.
Identifiers: ClinVar variation 3329353 (VCV003329353.3).